The following is an entry in ClinVar:

NM_001267550.2(TTN):c.45083-10A>G

Genes: TTN (titin; minus strand), LOC126806427 (BRD4-independent group 4 enhancer GRCh37_chr2:179485777-179486976; plus strand). Cytogenetic location: 2q31.2.
Variant type: single nucleotide variant.
Coding change: c.45083-10A>G on transcript NM_001267550.2 (MANE Select); 10 bases into the intron before coding-DNA position 45083, A replaced by G.
Molecular consequence: intron variant.
Genome position (GRCh38, 1-based): chr2:178,621,751, T>C on the plus strand (A>G on the coding strand, the complement: TTN is on the minus strand). VCF-style: chr2-178621751-T-C. GRCh37 (hg19) VCF-style: chr2-179486478-T-C.
Other names: p.?; c.17888-10A>G (NM_003319.4); c.18464-10A>G (NM_133437.4); c.18263-10A>G (NM_133432.3); c.37379-10A>G (NM_133378.4); c.40160-10A>G (NM_001256850.1).
Identifiers: ClinVar variation 46980 (VCV000046980.66), dbSNP rs72677222, ClinGen allele CA283258.

ClinVar aggregate classification (germline): Benign/Likely benign. Review status: criteria provided, multiple submitters, no conflicts (2 of 4 stars). 26 submissions from 19 submitters: Benign (15); Likely benign (4). 7 of the submissions do not count toward it. Last evaluated 2026-08-01.

Conditions:
Dilated cardiomyopathy 1G (CMD1G). Identifiers: Orphanet 154, MedGen C1858763, MONDO:0011400, OMIM 604145.
Autosomal recessive limb-girdle muscular dystrophy type 2J (LGMDR10). Also called: MUSCULAR DYSTROPHY, LIMB-GIRDLE, AUTOSOMAL RECESSIVE 10; Limb-girdle muscular dystrophy, type 2J. Identifiers: Orphanet 140922, MedGen C1837342, MONDO:0012127, OMIM 608807.
Cardiomyopathy (CMYO). Also called: Cardiomyopathies. Identifiers: Orphanet 167848, MedGen C0878544, MONDO:0004994, HP:0001638. Inheritance: Various modes of inheritance.
Early-onset myopathy with fatal cardiomyopathy (CMYO5). Also called: CONGENITAL MYOPATHY 5 WITH CARDIOMYOPATHY; Salih Myopathy. Identifiers: Orphanet 289377, MedGen C2673677, MONDO:0012714, OMIM 611705. Disease mechanism: loss of function.
Myopathy, myofibrillar, 9, with early respiratory failure (MFM9). Also called: Myopathy, distal, with early respiratory failure, autosomal dominant; Hereditary myopathy with early respiratory failure; MYOPATHY, PROXIMAL, WITH EARLY RESPIRATORY MUSCLE INVOLVEMENT; EDSTROM MYOPATHY. Identifiers: Orphanet 178464, Orphanet 34521, MedGen C1863599, MONDO:0011362, OMIM 603689.
Tibial muscular dystrophy (TMD). Also called: Udd Distal Myopathy – Tibial Muscular Dystrophy; Tibial muscular dystrophy, tardive; UDD MYOPATHY. Identifiers: Orphanet 609, MedGen C1838244, MONDO:0010870, OMIM 600334.

Allele frequency attached by ClinVar (database versions not stated): gnomAD 0.00656 and 0.00683; 1000 Genomes Project 30x 0.00219; 1000 Genomes Project 0.00220; TOPMed 0.00651; ExAC 0.00757; ESP Exome Variant Server 0.00812; gnomAD exomes 0.01067 and 0.00664.
gnomAD v4.1: 16,324 of 1,609,048 alleles (1%); highest among the groups gnomAD compares: Non-Finnish European, 1.3%; 103 homozygotes.

Submissions 1 to 21 of 33:

CeGaT Center for Human Genetics Tuebingen
Classification: Benign. Last evaluated: 2026-08-01. Review status: criteria provided, single submitter. Criteria: CeGaT Center For Human Genetics Tuebingen Variant Classification Criteria Version 2. Collection method: clinical testing. Allele origin: germline. Affected: yes. Observed: 30 variant alleles.
Comment: TTN: PP3, BS1, BS2

Labcorp Genetics (formerly Invitae), Labcorp
Classification: Benign for Dilated cardiomyopathy 1G; Autosomal recessive limb-girdle muscular dystrophy type 2J. Last evaluated: 2026-02-04. Review status: criteria provided, single submitter. Criteria: Invitae Variant Classification Sherloc (09022015). Collection method: clinical testing. Allele origin: germline.

ARUP Laboratories, Molecular Genetics and Genomics, ARUP Laboratories
Classification: Benign. Last evaluated: 2025-05-26. Review status: criteria provided, single submitter. Criteria: ARUP Molecular Germline Variant Investigation Process 2024. Collection method: clinical testing. Allele origin: germline.

Molecular Diagnostic Laboratory for Inherited Cardiovascular Disease, Montreal Heart Institute
Classification: Benign. Last evaluated: 2025-04-09. Review status: criteria provided, single submitter. Criteria: ACMG Guidelines, 2015. Collection method: clinical testing. Allele origin: germline. Affected: no.

Blueprint Genetics
Classification: Likely benign. Last evaluated: 2024-11-22. Review status: criteria provided, single submitter. Criteria: ACMG Guidelines, 2015. Collection method: clinical testing. Allele origin: germline.

Mayo Clinic Laboratories, Mayo Clinic
Classification: Benign. Last evaluated: 2023-08-24. Review status: criteria provided, single submitter. Criteria: ACMG Guidelines, 2015. Collection method: clinical testing. Allele origin: germline. Observed: 25 variant alleles.
Comment: BS1, BS2, PP3

Genome-Nilou Lab
Classification: Benign for Autosomal recessive limb-girdle muscular dystrophy type 2J. Last evaluated: 2021-09-10. Review status: criteria provided, single submitter. Criteria: ACMG Guidelines, 2015. Collection method: clinical testing. Allele origin: germline. Affected: no.

Genome-Nilou Lab
Classification: Benign for Myopathy, myofibrillar, 9, with early respiratory failure. Last evaluated: 2021-09-10. Review status: criteria provided, single submitter. Criteria: ACMG Guidelines, 2015. Collection method: clinical testing. Allele origin: germline. Affected: no.

Genome-Nilou Lab
Classification: Benign for Early-onset myopathy with fatal cardiomyopathy. Last evaluated: 2021-09-10. Review status: criteria provided, single submitter. Criteria: ACMG Guidelines, 2015. Collection method: clinical testing. Allele origin: germline. Affected: no.

Genome-Nilou Lab
Classification: Benign for Tibial muscular dystrophy. Last evaluated: 2021-09-10. Review status: criteria provided, single submitter. Criteria: ACMG Guidelines, 2015. Collection method: clinical testing. Allele origin: germline. Affected: no.

Women's Health and Genetics/Laboratory Corporation of America, LabCorp
Classification: Benign. Last evaluated: 2020-12-06. Review status: criteria provided, single submitter. Criteria: LabCorp Variant Classification Summary - May 2015. Collection method: clinical testing. Allele origin: germline.

CHEO Genetics Diagnostic Laboratory, Children's Hospital of Eastern Ontario
Classification: Benign for Cardiomyopathy. Last evaluated: 2019-05-24. Review status: criteria provided, single submitter. Criteria: ACMG Guidelines, 2015. Collection method: clinical testing. Allele origin: germline. Study: Canadian Open Genetics Repository.

Illumina Laboratory Services, Illumina
Classification: Likely benign for Early-onset myopathy with fatal cardiomyopathy. Last evaluated: 2018-01-13. Review status: criteria provided, single submitter. Criteria: ICSL Variant Classification Criteria 13 December 2019. Collection method: clinical testing. Allele origin: germline.
Comment: This variant was observed in the ICSL laboratory as part of a predisposition screen in an ostensibly healthy population. It had not been previously curated by ICSL or reported in the Human Gene Mutation Database (HGMD: prior to June 1st, 2018), and was therefore a candidate for classification through an automated scoring system. Utilizing variant allele frequency, disease prevalence and penetrance estimates, and inheritance mode, an automated score was calculated to assess if this variant is too frequent to cause the disease. Based on the score and internal cut-off values, a variant classified as likely benign is not then subjected to further curation. The score for this variant resulted in a classification of likely benign for this disease.

Illumina Laboratory Services, Illumina
Classification: Likely benign for Dilated cardiomyopathy 1G. Last evaluated: 2018-01-13. Review status: criteria provided, single submitter. Criteria: ICSL Variant Classification Criteria 13 December 2019. Collection method: clinical testing. Allele origin: germline.
Comment: the same text as in the submission from Illumina Laboratory Services, Illumina above.

Illumina Laboratory Services, Illumina
Classification: Likely benign for Autosomal recessive limb-girdle muscular dystrophy type 2J. Last evaluated: 2018-01-13. Review status: criteria provided, single submitter. Criteria: ICSL Variant Classification Criteria 13 December 2019. Collection method: clinical testing. Allele origin: germline.
Comment: the same text as in the submission from Illumina Laboratory Services, Illumina above.

Illumina Laboratory Services, Illumina
Classification: Benign for Myopathy, myofibrillar, 9, with early respiratory failure. Last evaluated: 2018-01-13. Review status: criteria provided, single submitter. Criteria: ICSL Variant Classification Criteria 13 December 2019. Collection method: clinical testing. Allele origin: germline.
Comment: This variant was observed in the ICSL laboratory as part of a predisposition screen in an ostensibly healthy population. It had not been previously curated by ICSL or reported in the Human Gene Mutation Database (HGMD: prior to June 1st, 2018), and was therefore a candidate for classification through an automated scoring system. Utilizing variant allele frequency, disease prevalence and penetrance estimates, and inheritance mode, an automated score was calculated to assess if this variant is too frequent to cause the disease. Based on the score and internal cut-off values, a variant classified as benign is not then subjected to further curation. The score for this variant resulted in a classification of benign for this disease.

Illumina Laboratory Services, Illumina
Classification: Benign for Tibial muscular dystrophy. Last evaluated: 2018-01-13. Review status: criteria provided, single submitter. Criteria: ICSL Variant Classification Criteria 13 December 2019. Collection method: clinical testing. Allele origin: germline.
Comment: the same text as in the submission from Illumina Laboratory Services, Illumina above.

GeneDx
Classification: Benign. Last evaluated: 2013-04-29. Review status: criteria provided, single submitter. Criteria: GeneDx Variant Classification (06012015). Collection method: clinical testing. Allele origin: germline. Affected: yes.
Comment: This variant is considered likely benign or benign based on one or more of the following criteria: it is a conservative change, it occurs at a poorly conserved position in the protein, it is predicted to be benign by multiple in silico algorithms, and/or has population frequency not consistent with disease.

Laboratory for Molecular Medicine, Mass General Brigham Personalized Medicine
Classification: Benign. Last evaluated: 2012-05-10. Review status: criteria provided, single submitter. Criteria: LMM Criteria. Collection method: clinical testing. Allele origin: germline. Observed: 40 variant alleles.
Comment: 37379-10A>G in intron 193 of TTN: This variant is not expected to have clinical significance because it has been identified in 1.1% (73/6566) of European Americ an chromosomes from a broad population by the NHLBI Exome Sequencing Project (dbSNP rs72677222).

Clinical Genetics DNA and cytogenetics Diagnostics Lab, Erasmus MC, Erasmus Medical Center
Classification: Benign. Review status: no assertion criteria provided. Collection method: clinical testing. Allele origin: germline. Affected: yes. Study: VKGL Data-share Consensus. Not counted in ClinVar's aggregate classification.

Clinical Genetics, Academic Medical Center
Classification: Benign. Review status: no assertion criteria provided. Collection method: clinical testing. Allele origin: germline. Affected: yes. Study: VKGL Data-share Consensus. Not counted in ClinVar's aggregate classification.